The following is an entry in ClinVar:

ClinVar aggregate classification (germline): Uncertain significance (1 of 4 stars; one submission).

Conditions:
Inborn genetic diseases. Identifiers: MedGen C0950123, MeSH D030342.

Submission:

Ambry Genetics
Classification: Uncertain significance for Inborn genetic diseases. Last evaluated: 2025-02-22. Review status: criteria provided, single submitter. Criteria: Ambry Variant Classification Scheme 2023. Collection method: clinical testing. Allele origin: germline.
Comment: The p.D349E variant (also known as c.1047C>A), located in coding exon 5 of the SH2B3 gene, results from a C to A substitution at nucleotide position 1047. The aspartic acid at codon 349 is replaced by glutamic acid, an amino acid with highly similar properties. This amino acid position is conserved. In addition, this alteration is predicted to be tolerated by in silico analysis. Based on the available evidence, the clinical significance of this variant remains unclear.

NM_005475.3(SH2B3):c.1047C>A (p.Asp349Glu)

Gene: SH2B3 (SH2B adaptor protein 3; plus strand). Cytogenetic location: 12q24.12.
Variant type: single nucleotide variant.
Coding change: c.1047C>A on transcript NM_005475.3 (MANE Select); coding-DNA position 1047, C replaced by A.
Protein change: p.Asp349Glu; replaces aspartic acid 349 with glutamic acid.
Molecular consequence: missense variant.
Genome position (GRCh38, 1-based): chr12:111,447,355, C>A. VCF-style: chr12-111447355-C-A. GRCh37 (hg19) VCF-style: chr12-111885159-C-A.
Other names: c.441C>A, p.Asp147Glu (NM_001291424.1); short protein forms D349E, D147E.
Identifiers: ClinVar variation 3795218 (VCV003795218.1).